The following is an entry in ClinVar:

NM_000051.4(ATM):c.397A>G (p.Asn133Asp)

Gene: ATM (ATM serine/threonine kinase; plus strand). Cytogenetic location: 11q22.3.
Variant type: single nucleotide variant.
Coding change: c.397A>G on transcript NM_000051.4 (MANE Select); coding-DNA position 397, A replaced by G.
Protein change: p.Asn133Asp; replaces asparagine 133 with aspartic acid.
Molecular consequence: missense variant.
Genome position (GRCh38, 1-based): chr11:108,235,735, A>G. VCF-style: chr11-108235735-A-G. GRCh37 (hg19) VCF-style: chr11-108106462-A-G.
Other names: c.397A>G, p.Asn133Asp (NM_001351834.2); short protein forms N133D.
Identifiers: ClinVar variation 576105 (VCV000576105.11), dbSNP rs1565356855, ClinGen allele CA382524929.

ClinVar aggregate classification (germline): Uncertain significance. Review status: criteria provided, multiple submitters, no conflicts (2 of 4 stars). 2 submissions from 2 submitters: Uncertain significance (2). Last evaluated 2024-04-28.

Conditions:
Hereditary cancer-predisposing syndrome. Also called: Hereditary neoplastic syndrome; Tumor predisposition; Hereditary Cancer Syndrome; Neoplastic Syndromes, Hereditary. Identifiers: Orphanet 140162, MedGen C0027672, MeSH D009386, MONDO:0015356.
Ataxia-telangiectasia syndrome (AT). Also called: Cerebello-oculocutaneous telangiectasia; Immunodeficiency with ataxia telangiectasia; Ataxia telangiectasia (A-T); Ataxia-telangiectasia, complementation group E; LOUIS-BAR SYNDROME; Ataxia-telangiectasia. Identifiers: Orphanet 100, MedGen C0004135, MONDO:0008840, OMIM 208900.

Submissions (2):

Ambry Genetics
Classification: Uncertain significance for Hereditary cancer-predisposing syndrome. Last evaluated: 2024-04-28. Review status: criteria provided, single submitter. Criteria: Ambry Variant Classification Scheme 2023. Collection method: clinical testing. Allele origin: germline.
Comment: The p.N133D variant (also known as c.397A>G), located in coding exon 4 of the ATM gene, results from an A to G substitution at nucleotide position 397. The asparagine at codon 133 is replaced by aspartic acid, an amino acid with highly similar properties. This amino acid position is not well conserved in available vertebrate species. In addition, this alteration is predicted to be tolerated by in silico analysis. Since supporting evidence is limited at this time, the clinical significance of this alteration remains unclear.

Labcorp Genetics (formerly Invitae), Labcorp
Classification: Uncertain significance for Ataxia-telangiectasia syndrome. Last evaluated: 2023-12-11. Review status: criteria provided, single submitter. Criteria: Invitae Variant Classification Sherloc (09022015). Collection method: clinical testing. Allele origin: germline.
Comment: This sequence change replaces asparagine, which is neutral and polar, with aspartic acid, which is acidic and polar, at codon 133 of the ATM protein (p.Asn133Asp). This variant is not present in population databases (gnomAD no frequency). This variant has not been reported in the literature in individuals affected with ATM-related conditions. ClinVar contains an entry for this variant (Variation ID: 576105). Algorithms developed to predict the effect of missense changes on protein structure and function output the following: SIFT: "Not Available"; PolyPhen-2: "Benign"; Align-GVGD: "Not Available". The aspartic acid amino acid residue is found in multiple mammalian species, which suggests that this missense change does not adversely affect protein function. In summary, the available evidence is currently insufficient to determine the role of this variant in disease. Therefore, it has been classified as a Variant of Uncertain Significance.